The following is an entry in ClinVar:

NM_001291303.3(FAT4):c.12085G>A (p.Ala4029Thr)

Gene: FAT4 (FAT atypical cadherin 4; plus strand). Cytogenetic location: 4q28.1.
Variant type: single nucleotide variant.
Coding change: c.12085G>A on transcript NM_001291303.3 (MANE Select); coding-DNA position 12085, G replaced by A.
Protein change: p.Ala4029Thr; replaces alanine 4029 with threonine.
Molecular consequence: missense variant.
Genome position (GRCh38, 1-based): chr4:125,468,691, G>A. VCF-style: chr4-125468691-G-A. GRCh37 (hg19) VCF-style: chr4-126389846-G-A.
Other names: c.12085G>A, p.Ala4029Thr (NM_001291285.3); c.12079G>A, p.Ala4027Thr (NM_024582.6); c.12079G>A (NM_024582.5); short protein forms A4027T, A4029T.
Identifiers: ClinVar variation 1031381 (VCV001031381.11), dbSNP rs140544054, ClinGen allele CA3074006.

ClinVar aggregate classification (germline): Conflicting classifications of pathogenicity. Review status: criteria provided, conflicting classifications (1 of 4 stars). 4 submissions from 4 submitters: Uncertain significance (2); Likely benign (1). 1 of the submissions does not count toward it. Last evaluated 2026-01-19.

Conditions:
FAT4-related disorder. Also called: FAT4-related condition.
Hennekam lymphangiectasia-lymphedema syndrome 2 (HKLLS2). Identifiers: Orphanet 2136, MedGen C4014939, MONDO:0014454, OMIM 616006.
Van Maldergem syndrome 2 (VMLDS2). Identifiers: Orphanet 314679, MedGen C3809875, MONDO:0014242, OMIM 615546.

Allele frequency attached by ClinVar (database versions not stated): gnomAD 0.00009; gnomAD exomes 0.00009 and 0.00019; TOPMed 0.00012; ExAC 0.00013; ESP Exome Variant Server 0.00038.
gnomAD v4.1: 158 of 1,613,962 alleles (0.0098%); highest among the groups gnomAD compares: Middle Eastern, 0.016%; no homozygotes.

Submissions (4):

Labcorp Genetics (formerly Invitae), Labcorp
Classification: Likely benign. Last evaluated: 2026-01-19. Review status: criteria provided, single submitter. Criteria: Invitae Variant Classification Sherloc (09022015). Collection method: clinical testing. Allele origin: germline.

Fulgent Genetics
Classification: Uncertain significance for Van Maldergem syndrome 2; Hennekam lymphangiectasia-lymphedema syndrome 2. Last evaluated: 2024-03-07. Review status: criteria provided, single submitter. Criteria: ACMG Guidelines, 2015. Collection method: clinical testing. Allele origin: germline.

Baylor Genetics
Classification: Uncertain significance for Hennekam lymphangiectasia-lymphedema syndrome 2. Last evaluated: 2018-03-22. Review status: criteria provided, single submitter. Criteria: ACMG Guidelines, 2015. Collection method: clinical testing. Allele origin: maternal. Affected: yes.
Comment: This variant was determined to be of uncertain significance according to ACMG Guidelines, 2015 [PMID:25741868].

PreventionGenetics, part of Exact Sciences
Classification: Likely benign for FAT4-related condition. Last evaluated: 2022-07-20. Review status: no assertion criteria provided. Collection method: clinical testing. Allele origin: germline. Not counted in ClinVar's aggregate classification.
Comment: This variant is classified as likely benign based on ACMG/AMP sequence variant interpretation guidelines (Richards et al. 2015 PMID: 25741868, with internal and published modifications).